The following is an entry in ClinVar:

NM_000257.4(MYH7):c.5328C>T (p.Ser1776=)

Gene: MYH7 (myosin heavy chain 7; minus strand). Cytogenetic location: 14q11.2.
Variant type: single nucleotide variant.
Coding change: c.5328C>T on transcript NM_000257.4 (MANE Select); coding-DNA position 5328, C replaced by T.
Protein change: p.Ser1776=; no amino-acid change (serine 1776 retained).
Molecular consequence: synonymous variant.
Genome position (GRCh38, 1-based): chr14:23,415,226, G>A on the plus strand (C>T on the coding strand, the complement: MYH7 is on the minus strand). VCF-style: chr14-23415226-G-A. GRCh37 (hg19) VCF-style: chr14-23884435-G-A.
Identifiers: ClinVar variation 623836 (VCV000623836.58), dbSNP rs765263589, ClinGen allele CA046493.
Genomic context (GRCh38, chr14:23,415,226, plus strand): 5'-CCGGTGCTGCAGGTCCTTAATGGTCTGTTCCATGTTCTTCTTCATGCGCTCCAGGTGGGC[G>A]CTGGTGTCCTGCTCCTTCTTCAGCTCCTCTGCCATCATGGCGGCCTGTGTGCAGGAGAGA-3'
Protein context (NP_000248.2, residues 1766-1786): AEELKKEQDT[Ser1776=]AHLERMKKNM

ClinVar aggregate classification (germline): Likely benign. Review status: criteria provided, multiple submitters, no conflicts (2 of 4 stars). 6 submissions from 6 submitters: Likely benign (5). 1 of the submissions does not count toward it. Last evaluated 2026-04-01.

Conditions:
MYH7-related disorder. Also called: MYH7-related condition; MYH7-related disease; MYH7-related disorders.
Hypertrophic cardiomyopathy. Also called: HYPERTROPHIC MYOCARDIOPATHY. Identifiers: Orphanet 217569, MedGen C0007194, MeSH D002312, MONDO:0005045, HP:0001639.
Cardiovascular phenotype. Identifiers: MedGen CN230736.
Cardiomyopathy (CMYO). Also called: Cardiomyopathies. Identifiers: Orphanet 167848, MedGen C0878544, MONDO:0004994, HP:0001638. Inheritance: Various modes of inheritance.

Allele frequency attached by ClinVar (database versions not stated): gnomAD 0.00001; TOPMed 0.00001; ExAC 0.00002; gnomAD exomes 0.00002.
gnomAD v4.1: 29 of 1,614,122 alleles (0.0018%); highest among the groups gnomAD compares: East Asian, 0.0022%; no homozygotes.

Submissions (6):

CeGaT Center for Human Genetics Tuebingen
Classification: Likely benign. Last evaluated: 2026-04-01. Review status: criteria provided, single submitter. Criteria: CeGaT Center For Human Genetics Tuebingen Variant Classification Criteria Version 2. Collection method: clinical testing. Allele origin: germline. Affected: yes. Observed: 2 variant alleles.
Comment: MYH7: BP4, BP7

Labcorp Genetics (formerly Invitae), Labcorp
Classification: Likely benign for Hypertrophic cardiomyopathy. Last evaluated: 2025-05-27. Review status: criteria provided, single submitter. Criteria: Invitae Variant Classification Sherloc (09022015). Collection method: clinical testing. Allele origin: germline.

All of Us Research Program, National Institutes of Health
Classification: Likely benign for Cardiomyopathy. Last evaluated: 2023-05-31. Review status: criteria provided, single submitter. Criteria: ACMG Guidelines, 2015. Collection method: clinical testing. Allele origin: germline. Inheritance: Autosomal dominant inheritance. Observed: 1 variant allele, 1 heterozygote.
Comment: This study involves interpretation of variants in research participants for the purpose of population health screening. Participant phenotype was not available at the time of variant classification. Additional details can be found in publication PMID: 35346344, PMCID: PMC8962531

Ambry Genetics
Classification: Likely benign for Cardiovascular phenotype. Last evaluated: 2022-03-03. Review status: criteria provided, single submitter. Criteria: Ambry Variant Classification Scheme 2023. Collection method: clinical testing. Allele origin: germline.

Color Diagnostics, LLC DBA Color Health
Classification: Likely benign for Cardiomyopathy. Last evaluated: 2020-11-17. Review status: criteria provided, single submitter. Criteria: ACMG Guidelines, 2015. Collection method: clinical testing. Allele origin: germline.

PreventionGenetics, part of Exact Sciences
Classification: Likely benign for MYH7-related condition. Last evaluated: 2020-08-13. Review status: no assertion criteria provided. Collection method: clinical testing. Allele origin: germline. Not counted in ClinVar's aggregate classification.
Comment: This variant is classified as likely benign based on ACMG/AMP sequence variant interpretation guidelines (Richards et al. 2015 PMID: 25741868, with internal and published modifications).